The following is an entry in ClinVar:

NM_001378454.1(ALMS1):c.7788A>C (p.Gln2596His)

Gene: ALMS1 (ALMS1 centrosome and basal body associated protein; plus strand). Cytogenetic location: 2p13.1.
Variant type: single nucleotide variant.
Coding change: c.7788A>C on transcript NM_001378454.1 (MANE Select); coding-DNA position 7788, A replaced by C.
Protein change: p.Gln2596His; replaces glutamine 2596 with histidine.
Molecular consequence: missense variant.
Genome position (GRCh38, 1-based): chr2:73,489,747, A>C. VCF-style: chr2-73489747-A-C. GRCh37 (hg19) VCF-style: chr2-73716874-A-C.
Other names: c.7791A>C, p.Gln2597His (NM_015120.4); short protein forms Q2597H, Q2596H.
Identifiers: ClinVar variation 1506253 (VCV001506253.27), dbSNP rs752127434, ClinGen allele CA1714350.
Genomic context (GRCh38, chr2:73,489,747, plus strand): 5'-CATTATTATTGAGAGCCATGAAAAGGGATGTTTCCGGACTCTAACTTCTGAACATCCACA[A>C]CTAGATAGACACCCTTGTGCTTTCAGATCTGCTGGACCCTCAGAAATGACCAGAGGACGG-3'
Protein context (NP_001365383.1, residues 2586-2606): CFRTLTSEHP[Gln2596His]LDRHPCAFRS

ClinVar aggregate classification (germline): Uncertain significance. Review status: criteria provided, multiple submitters, no conflicts (2 of 4 stars). 5 submissions from 5 submitters: Uncertain significance (5). Last evaluated 2024-04-22.

Conditions:
Alstrom syndrome (ALMS). Identifiers: Orphanet 64, MedGen C0268425, MONDO:0008763, OMIM 203800.

Allele frequency attached by ClinVar (database versions not stated): gnomAD 0.00001; ExAC 0.00002; TOPMed 0.00002; gnomAD exomes 0.00003.
gnomAD v4.1: 11 of 1,614,060 alleles (0.00068%); highest among the groups gnomAD compares: Admixed American, 0.0083%; no homozygotes.

Submissions (5):

Blueprint Genetics
Classification: Uncertain significance. Last evaluated: 2024-04-22. Review status: criteria provided, single submitter. Criteria: ACMG Guidelines, 2015. Collection method: clinical testing. Allele origin: germline.

CeGaT Center for Human Genetics Tuebingen
Classification: Uncertain significance. Last evaluated: 2024-01-01. Review status: criteria provided, single submitter. Criteria: CeGaT Center For Human Genetics Tuebingen Variant Classification Criteria Version 2. Collection method: clinical testing. Allele origin: germline. Affected: yes. Observed: 1 variant allele.
Comment: ALMS1: PM2, BP4

GeneDx
Classification: Uncertain significance. Last evaluated: 2023-03-02. Review status: criteria provided, single submitter. Criteria: GeneDx Variant Classification Process June 2021. Collection method: clinical testing. Allele origin: germline. Affected: yes.
Comment: Not observed at significant frequency in large population cohorts (gnomAD); In silico analysis supports that this missense variant does not alter protein structure/function; Has not been previously published as pathogenic or benign to our knowledge

Labcorp Genetics (formerly Invitae), Labcorp
Classification: Uncertain significance for Alstrom syndrome. Last evaluated: 2022-02-22. Review status: criteria provided, single submitter. Criteria: Invitae Variant Classification Sherloc (09022015). Collection method: clinical testing. Allele origin: germline.
Comment: This sequence change replaces glutamine, which is neutral and polar, with histidine, which is basic and polar, at codon 2597 of the ALMS1 protein (p.Gln2597His). This variant is present in population databases (rs752127434, gnomAD 0.01%). This variant has not been reported in the literature in individuals affected with ALMS1-related conditions. In summary, the available evidence is currently insufficient to determine the role of this variant in disease. Therefore, it has been classified as a Variant of Uncertain Significance.

Fulgent Genetics
Classification: Uncertain significance for Alstrom syndrome. Last evaluated: 2022-02-04. Review status: criteria provided, single submitter. Criteria: ACMG Guidelines, 2015. Collection method: clinical testing. Allele origin: unknown.